The following is an entry in ClinVar:

NM_006767.4(LZTR1):c.709C>G (p.Arg237Gly)

Gene: LZTR1 (leucine zipper like post translational regulator 1; plus strand). Cytogenetic location: 22q11.21.
Variant type: single nucleotide variant.
Coding change: c.709C>G on transcript NM_006767.4 (MANE Select); coding-DNA position 709, C replaced by G.
Protein change: p.Arg237Gly; replaces arginine 237 with glycine.
Molecular consequence: missense variant.
Genome position (GRCh38, 1-based): chr22:20,990,443, C>G. VCF-style: chr22-20990443-C-G. GRCh37 (hg19) VCF-style: chr22-21344732-C-G.
Other names: short protein forms R237G.
Identifiers: ClinVar variation 2788980 (VCV002788980.2), dbSNP rs146197956, ClinGen allele CA410780530.
Genomic context (GRCh38, chr22:20,990,443, plus strand): 5'-CAGGTGGCCCAGAGTGGCGAGATCCCCCCATCTTGCTGCAACTTCCCCGTGGCTGTGTGC[C>G]GGGACAAGATGTTTGTATTCTCTGGGCAAAGCGGAGCCAAAATAACCAACAACCTCTTCC-3'
Protein context (NP_006758.2, residues 227-247): SCCNFPVAVC[Arg237Gly]DKMFVFSGQS

ClinVar aggregate classification (germline): Uncertain significance (1 of 4 stars; one submission).

Submission:

Labcorp Genetics (formerly Invitae), Labcorp
Classification: Uncertain significance. Last evaluated: 2023-04-25. Review status: criteria provided, single submitter. Criteria: Invitae Variant Classification Sherloc (09022015). Collection method: clinical testing. Allele origin: germline.
Comment: Advanced modeling of protein sequence and biophysical properties (such as structural, functional, and spatial information, amino acid conservation, physicochemical variation, residue mobility, and thermodynamic stability) performed at Invitae indicates that this missense variant is not expected to disrupt LZTR1 protein function. In summary, the available evidence is currently insufficient to determine the role of this variant in disease. Therefore, it has been classified as a Variant of Uncertain Significance. This variant has not been reported in the literature in individuals affected with LZTR1-related conditions. This variant is not present in population databases (gnomAD no frequency). This sequence change replaces arginine, which is basic and polar, with glycine, which is neutral and non-polar, at codon 237 of the LZTR1 protein (p.Arg237Gly).